The following is an entry in ClinVar:

NM_001077350.3(NPRL3):c.118+9G>A

Genes: HBA-LCR (alpha-globin locus control region; plus strand), NPRL3 (NPR3 like, GATOR1 complex subunit; minus strand). Cytogenetic location: 16p13.3.
Variant type: single nucleotide variant.
Coding change: c.118+9G>A on transcript NM_001077350.3 (MANE Select); 9 bases into the intron after coding-DNA position 118, G replaced by A.
Molecular consequence: intron variant.
Genome position (GRCh38, 1-based): chr16:138,141, C>T on the plus strand (G>A on the coding strand, the complement: NPRL3 is on the minus strand). VCF-style: chr16-138141-C-T. GRCh37 (hg19) VCF-style: chr16-188140-C-T.
Other names: c.118+9G>A (NM_001077350.2, NM_001243248.2, NM_001243249.2); c.-254+9G>A (NM_001243247.2); c.-215+9G>A (NM_001039476.3).
Identifiers: ClinVar variation 1109552 (VCV001109552.10), dbSNP rs766369663, ClinGen allele CA7769796.

ClinVar aggregate classification (germline): Likely benign. Review status: criteria provided, multiple submitters, no conflicts (2 of 4 stars). 2 submissions from 2 submitters: Likely benign (2). Last evaluated 2026-01-23.

Conditions:
Epilepsy, familial focal, with variable foci 3 (FFEVF3). Identifiers: MedGen C4310708, MONDO:0014925, OMIM 617118.
NPRL3-related disorder. Also called: NPRL3-related condition.

Allele frequency attached by ClinVar (database versions not stated): gnomAD 0.00001; ExAC 0.00003; gnomAD exomes 0.00003; TOPMed 0.00005.
gnomAD v4.1: 11 of 1,588,816 alleles (0.00069%); highest among the groups gnomAD compares: Admixed American, 0.014%; no homozygotes.

Submissions (2):

Labcorp Genetics (formerly Invitae), Labcorp
Classification: Likely benign for Epilepsy, familial focal, with variable foci 3. Last evaluated: 2026-01-23. Review status: criteria provided, single submitter. Criteria: Invitae Variant Classification Sherloc (09022015). Collection method: clinical testing. Allele origin: germline.

PreventionGenetics, part of Exact Sciences
Classification: Likely benign for NPRL3-related condition. Last evaluated: 2025-01-04. Review status: criteria provided, single submitter. Criteria: ACMG Guidelines, 2015. Collection method: clinical testing. Allele origin: germline.
Comment: This variant is classified as likely benign based on ACMG/AMP sequence variant interpretation guidelines (Richards et al. 2015 PMID: 25741868, with internal and published modifications).